The following is an entry in ClinVar:

ClinVar aggregate classification (germline): Uncertain significance. Review status: criteria provided, multiple submitters, no conflicts (2 of 4 stars). 2 submissions from 2 submitters: Uncertain significance (2). Last evaluated 2025-03-17.

Conditions:
Primary ciliary dyskinesia. Also called: Ciliary dyskinesia. Identifiers: Orphanet 244, MedGen C0008780, MONDO:0016575, HP:0012265.

Allele frequency attached by ClinVar (database versions not stated): gnomAD exomes 0.00001 and 0.00003; ExAC 0.00004; TOPMed 0.00007; gnomAD 0.00009 and 0.00010; 1000 Genomes Project 30x 0.00016; 1000 Genomes Project 0.00020; ESP Exome Variant Server 0.00023.
gnomAD v4.1: 30 of 1,613,982 alleles (0.0019%); highest among the groups gnomAD compares: African/African-American, 0.032%; no homozygotes.

Submissions (2):

Ambry Genetics
Classification: Uncertain significance. Last evaluated: 2025-03-17. Review status: criteria provided, single submitter. Criteria: Ambry Variant Classification Scheme 2023. Collection method: clinical testing. Allele origin: germline.

Labcorp Genetics (formerly Invitae), Labcorp
Classification: Uncertain significance for Primary ciliary dyskinesia. Last evaluated: 2021-09-02. Review status: criteria provided, single submitter. Criteria: Invitae Variant Classification Sherloc (09022015). Collection method: clinical testing. Allele origin: germline.
Comment: This sequence change replaces threonine with asparagine at codon 1131 of the DNAH8 protein (p.Thr1131Asn). The threonine residue is moderately conserved and there is a small physicochemical difference between threonine and asparagine. This variant is present in population databases (rs145492929, ExAC 0.04%). This variant has not been reported in the literature in individuals affected with DNAH8-related conditions. Algorithms developed to predict the effect of missense changes on protein structure and function are either unavailable or do not agree on the potential impact of this missense change (SIFT: "Deleterious"; PolyPhen-2: "Not Available"; Align-GVGD: "Class C0"). In summary, the available evidence is currently insufficient to determine the role of this variant in disease. Therefore, it has been classified as a Variant of Uncertain Significance.

NM_001206927.2(DNAH8):c.3392C>A (p.Thr1131Asn)

Gene: DNAH8 (dynein axonemal heavy chain 8; plus strand). Cytogenetic location: 6p21.2.
Variant type: single nucleotide variant.
Coding change: c.3392C>A on transcript NM_001206927.2 (MANE Select); coding-DNA position 3392, C replaced by A.
Protein change: p.Thr1131Asn; replaces threonine 1131 with asparagine.
Molecular consequence: missense variant.
Genome position (GRCh38, 1-based): chr6:38,815,526, C>A. VCF-style: chr6-38815526-C-A. GRCh37 (hg19) VCF-style: chr6-38783302-C-A.
Other names: c.3392C>A (NM_001206927.1); c.2741C>A, p.Thr914Asn (NM_001371.4); short protein forms T1131N, T914N.
Identifiers: ClinVar variation 1493779 (VCV001493779.6), dbSNP rs145492929, ClinGen allele CA3788833.